The following is an entry in ClinVar:

NM_005461.5(MAFB):c.319G>A (p.Ala107Thr)

Gene: MAFB (MAF bZIP transcription factor B; minus strand). Cytogenetic location: 20q12.
Variant type: single nucleotide variant.
Coding change: c.319G>A on transcript NM_005461.5 (MANE Select); coding-DNA position 319, G replaced by A.
Protein change: p.Ala107Thr; replaces alanine 107 with threonine.
Molecular consequence: missense variant.
Genome position (GRCh38, 1-based): chr20:40,688,532, C>T on the plus strand (G>A on the coding strand, the complement: MAFB is on the minus strand). VCF-style: chr20-40688532-C-T. GRCh37 (hg19) VCF-style: chr20-39317172-C-T.
Other names: short protein forms A107T.
Identifiers: ClinVar variation 3541967 (VCV003541967.2).
Genomic context (GRCh38, chr20:40,688,532, plus strand): 5'-AGCTGTCGAAGCTTTGCAGCGGCTGTGGCACTGGGTGCGAGCCGATGAGCGCTTCCACCG[C>T]GTCCTCGGGCGTCAGGTTGAGCGCCTCGGGGTTCATCTGCTGGTAGTTGCTCGCCATCCA-3'
Protein context (NP_005452.2, residues 97-117): PEALNLTPED[Ala107Thr]VEALIGSHPV

ClinVar aggregate classification (germline): Uncertain significance. Review status: criteria provided, multiple submitters, no conflicts (2 of 4 stars). 2 submissions from 2 submitters: Uncertain significance (2). Last evaluated 2025-11-08.

Conditions:
Inborn genetic diseases. Identifiers: MedGen C0950123, MeSH D030342.

gnomAD v4.1: 17 of 1,613,878 alleles (0.0011%); highest among the groups gnomAD compares: Non-Finnish European, 0.0014%; no homozygotes.

Submissions (2):

Labcorp Genetics (formerly Invitae), Labcorp
Classification: Uncertain significance. Last evaluated: 2025-11-08. Review status: criteria provided, single submitter. Criteria: Invitae Variant Classification Sherloc (09022015). Collection method: clinical testing. Allele origin: germline.
Comment: This sequence change replaces alanine, which is neutral and non-polar, with threonine, which is neutral and polar, at codon 107 of the MAFB protein (p.Ala107Thr). This variant is not present in population databases (gnomAD no frequency). This variant has not been reported in the literature in individuals affected with MAFB-related conditions. ClinVar contains an entry for this variant (Variation ID: 3541967). Invitae Evidence Modeling of protein sequence and biophysical properties (such as structural, functional, and spatial information, amino acid conservation, physicochemical variation, residue mobility, and thermodynamic stability) indicates that this missense variant is expected to disrupt MAFB protein function with a positive predictive value of 95%. In summary, the available evidence is currently insufficient to determine the role of this variant in disease. Therefore, it has been classified as a Variant of Uncertain Significance.

Ambry Genetics
Classification: Uncertain significance for Inborn genetic diseases. Last evaluated: 2024-09-10. Review status: criteria provided, single submitter. Criteria: Ambry Variant Classification Scheme 2023. Collection method: clinical testing. Allele origin: germline.